The following is an entry in ClinVar:

NM_005085.4(NUP214):c.319C>T (p.Leu107Phe)

Gene: NUP214 (nucleoporin 214; plus strand). Cytogenetic location: 9q34.13.
Variant type: single nucleotide variant.
Coding change: c.319C>T on transcript NM_005085.4 (MANE Select); coding-DNA position 319, C replaced by T.
Protein change: p.Leu107Phe; replaces leucine 107 with phenylalanine.
Molecular consequence: missense variant.
Genome position (GRCh38, 1-based): chr9:131,128,409, C>T. VCF-style: chr9-131128409-C-T. GRCh37 (hg19) VCF-style: chr9-134003796-C-T.
Other names: c.319C>T, p.Leu107Phe (NM_001318324.2); short protein forms L107F.
Identifiers: ClinVar variation 1318753 (VCV001318753.2), dbSNP rs1831429983, ClinGen allele CA375274770.
Genomic context (GRCh38, chr9:131,128,409, plus strand): 5'-TTGCTAGTTCCTATGAAATTCCCAATCCATCACCTGGCCTTGAGCTGTGATAACCTCACA[C>T]TCTCTGCGTGCATGATGTCCAGTGAATATGGTTCCATTATTGCTTTTTTTGATGTTCGCA-3'
Protein context (NP_005076.3, residues 97-117): HLALSCDNLT[Leu107Phe]SACMMSSEYG

ClinVar aggregate classification (germline): Uncertain significance (1 of 4 stars; one submission).

Submission:

GeneDx
Classification: Uncertain significance. Last evaluated: 2019-10-22. Review status: criteria provided, single submitter. Criteria: GeneDx Variant Classification Process June 2021. Collection method: clinical testing. Allele origin: germline. Affected: yes.
Comment: Not observed in large population cohorts (Lek et al., 2016); In silico analysis, which includes protein predictors and evolutionary conservation, supports a deleterious effect; Has not been previously published as pathogenic or benign to our knowledge